The following is an entry in ClinVar:

NM_001111.5(ADAR):c.1292G>C (p.Arg431Thr)

Gene: ADAR (adenosine deaminase RNA specific; minus strand). Cytogenetic location: 1q21.3.
Variant type: single nucleotide variant.
Coding change: c.1292G>C on transcript NM_001111.5 (MANE Select); coding-DNA position 1292, G replaced by C.
Protein change: p.Arg431Thr; replaces arginine 431 with threonine.
Molecular consequence: missense variant.
Genome position (GRCh38, 1-based): chr1:154,601,350, C>G on the plus strand (G>C on the coding strand, the complement: ADAR is on the minus strand). VCF-style: chr1-154601350-C-G. GRCh37 (hg19) VCF-style: chr1-154573826-C-G.
Other names: c.407G>C, p.Arg136Thr (NM_001025107.3, NM_001193495.2, NM_001365046.1 and 3 more transcripts); c.1319G>C, p.Arg440Thr (NM_001365045.1); c.1292G>C, p.Arg431Thr (NM_015840.4, NM_015841.4); short protein forms R431T, R136T, R440T.
Identifiers: ClinVar variation 4792828 (VCV004792828.2).

ClinVar aggregate classification (germline): Uncertain significance. Review status: criteria provided, multiple submitters, no conflicts (2 of 4 stars). 2 submissions from 2 submitters: Uncertain significance (2). Last evaluated 2025-11-01.

Conditions:
Symmetrical dyschromatosis of extremities (DSH). Also called: DYSCHROMATOSIS SYMMETRICA HEREDITARIA 1; RETICULATE ACROPIGMENTATION OF DOHI; SYMMETRIC DYSCHROMATOSIS OF THE EXTREMITIES; Dyschromatosis symmetrica hereditaria. Identifiers: Orphanet 41, MedGen C0406775, MONDO:0007483, OMIM 127400.
Aicardi-Goutieres syndrome 6 (AGS6). Identifiers: Orphanet 51, MedGen C3539013, MONDO:0014007, OMIM 615010.

gnomAD v4.1: 2 of 1,614,242 alleles (0.00012%); highest among the groups gnomAD compares: Middle Eastern, 0.016%; no homozygotes.

Submissions (2):

Labcorp Genetics (formerly Invitae), Labcorp
Classification: Uncertain significance for Aicardi-Goutieres syndrome 6; Symmetrical dyschromatosis of extremities. Last evaluated: 2025-11-01. Review status: criteria provided, single submitter. Criteria: Invitae Variant Classification Sherloc (09022015). Collection method: clinical testing. Allele origin: germline.
Comment: This sequence change replaces arginine, which is basic and polar, with threonine, which is neutral and polar, at codon 431 of the ADAR protein (p.Arg431Thr). This variant is present in population databases (rs746077792, gnomAD 0.0009%). This variant has not been reported in the literature in individuals affected with ADAR-related conditions. Invitae Evidence Modeling of protein sequence and biophysical properties (such as structural, functional, and spatial information, amino acid conservation, physicochemical variation, residue mobility, and thermodynamic stability) indicates that this missense variant is not expected to disrupt ADAR protein function with a negative predictive value of 80%. In summary, the available evidence is currently insufficient to determine the role of this variant in disease. Therefore, it has been classified as a Variant of Uncertain Significance.

Blueprint Genetics
Classification: Uncertain significance. Last evaluated: 2019-07-30. Review status: criteria provided, single submitter. Criteria: ACMG Guidelines, 2015. Collection method: clinical testing. Allele origin: germline.